The following is an entry in ClinVar:

ClinVar aggregate classification (germline): Pathogenic/Likely pathogenic. Review status: criteria provided, multiple submitters, no conflicts (2 of 4 stars). 4 submissions from 4 submitters: Pathogenic (1); Likely pathogenic (3). Last evaluated 2024-07-19.

Conditions:
Okur-Chung neurodevelopmental syndrome (OCNDS). Identifiers: Orphanet 689422, MedGen C4310739, MONDO:0014893, OMIM 617062.
Intellectual disability. Also called: Intellectual functioning disability; intellectual disabilities; Intellectual developmental disorder. Identifiers: MedGen C3714756, MeSH D008607, MONDO:0001071, HP:0001249.

Submissions (4):

GeneDx
Classification: Pathogenic. Last evaluated: 2024-07-19. Review status: criteria provided, single submitter. Criteria: GeneDx Variant Classification Process June 2021. Collection method: clinical testing. Allele origin: germline. Affected: yes.
Comment: In silico analysis supports that this missense variant has a deleterious effect on protein structure/function; Not observed at significant frequency in large population cohorts (gnomAD); This variant is associated with the following publications: (PMID: 33057194, 35982159, 29383814)

Daryl Scott Lab, Baylor College of Medicine
Classification: Likely pathogenic for Okur-Chung neurodevelopmental syndrome. Last evaluated: 2024-04-01. Review status: criteria provided, single submitter. Criteria: ACMG Guidelines, 2015. Collection method: research. Allele origin: de novo. Observed: 1 heterozygote.
Comment: PS2, PM2, PP3

Eurofins-Biomnis
Classification: Likely pathogenic for Okur-Chung neurodevelopmental syndrome. Last evaluated: 2022-11-03. Review status: criteria provided, single submitter. Criteria: Accession Criteria ClinVar Biomnis. Collection method: clinical testing. Allele origin: de novo. Affected: yes. Observed: 1 heterozygote.

Cambridge Genomics Laboratory, East Genomic Laboratory Hub, NHS Genomic Medicine Service
Classification: Likely pathogenic for Intellectual disability. Last evaluated: 2019-06-03. Review status: criteria provided, single submitter. Criteria: ACGS Best Practice Guidelines for Variant Classification in Rare Disease 2020. Collection method: clinical testing. Allele origin: germline. Affected: yes. Observed: 1 variant allele.

NM_177559.3(CSNK2A1):c.152G>A (p.Ser51Asn)

Gene: CSNK2A1 (casein kinase 2 alpha 1; minus strand). Cytogenetic location: 20p13.
Variant type: single nucleotide variant.
Coding change: c.152G>A on transcript NM_177559.3 (MANE Select); coding-DNA position 152, G replaced by A.
Protein change: p.Ser51Asn; replaces serine 51 with asparagine.
Molecular consequence: missense variant. On other transcripts: 5 prime UTR variant (1).
Genome position (GRCh38, 1-based): chr20:505,179, C>T on the plus strand (G>A on the coding strand, the complement: CSNK2A1 is on the minus strand). VCF-style: chr20-505179-C-T. GRCh37 (hg19) VCF-style: chr20-485823-C-T.
Other names: c.152G>A, p.Ser51Asn (NM_001362770.2, NM_001362771.2, NM_001895.4); c.-257G>A (NM_177560.3); c.152G>A (NM_001895.3); short protein forms S51N.
Identifiers: ClinVar variation 2506470 (VCV002506470.4), dbSNP rs2514672851, ClinGen allele CA407940044.